The following is an entry in ClinVar:

NM_001182.5(ALDH7A1):c.246+3A>G

Gene: ALDH7A1 (aldehyde dehydrogenase 7 family member A1; minus strand). Cytogenetic location: 5q23.2.
Variant type: single nucleotide variant.
Coding change: c.246+3A>G on transcript NM_001182.5 (MANE Select); 3 bases into the intron after coding-DNA position 246, A replaced by G.
Molecular consequence: intron variant.
Genome position (GRCh38, 1-based): chr5:126,593,348, T>C on the plus strand (A>G on the coding strand, the complement: ALDH7A1 is on the minus strand). VCF-style: chr5-126593348-T-C. GRCh37 (hg19) VCF-style: chr5-125929040-T-C.
Other names: c.246+3A>G (NM_001202404.2); c.162+3A>G (NM_001201377.2).
Identifiers: ClinVar variation 1974321 (VCV001974321.5), dbSNP rs758772650, ClinGen allele CA3389856.

ClinVar aggregate classification (germline): Uncertain significance (1 of 4 stars; one submission).

Conditions:
Pyridoxine-dependent epilepsy (EPEO4). Also called: PYRIDOXINE DEPENDENCY WITH SEIZURES; Pyridoxine-Dependent Seizures; Pyridoxine-Dependent Epilepsy - ALDH7A1; EPILEPSY, EARLY-ONSET, 4, VITAMIN B6-DEPENDENT. Identifiers: Orphanet 3006, MedGen C1849508, MONDO:0009945, OMIM 266100. Disease mechanism: loss of function.

Allele frequency attached by ClinVar (database versions not stated): ExAC 0.00158.

Submission:

Labcorp Genetics (formerly Invitae), Labcorp
Classification: Uncertain significance for Pyridoxine-dependent epilepsy. Last evaluated: 2022-10-17. Review status: criteria provided, single submitter. Criteria: Invitae Variant Classification Sherloc (09022015). Collection method: clinical testing. Allele origin: germline.
Comment: This sequence change falls in intron 2 of the ALDH7A1 gene. It does not directly change the encoded amino acid sequence of the ALDH7A1 protein. It affects a nucleotide within the consensus splice site. The frequency data for this variant in the population databases is considered unreliable, as metrics indicate poor data quality at this position in the gnomAD database. This variant has not been reported in the literature in individuals affected with ALDH7A1-related conditions. Variants that disrupt the consensus splice site are a relatively common cause of aberrant splicing (PMID: 17576681, 9536098). Algorithms developed to predict the effect of sequence changes on RNA splicing suggest that this variant is not likely to affect RNA splicing. In summary, the available evidence is currently insufficient to determine the role of this variant in disease. Therefore, it has been classified as a Variant of Uncertain Significance.

Literature cited by the submitters: PubMed 17576681; PubMed 9536098.